The following is an entry in ClinVar:

ClinVar aggregate classification (germline): Conflicting classifications of pathogenicity. Review status: criteria provided, conflicting classifications (1 of 4 stars). 7 submissions from 7 submitters: Uncertain significance (5); Likely benign (2). Last evaluated 2025-04-13.

Conditions:
Intellectual disability. Also called: Intellectual developmental disorder; intellectual disabilities; Intellectual functioning disability. Identifiers: MedGen C3714756, MeSH D008607, MONDO:0001071, HP:0001249.
Intellectual developmental disorder, X-linked, syndromic 34. Also called: MENTAL RETARDATION, X-LINKED, SYNDROMIC, MIRCSOF-LANGOUET TYPE; Syndromic X-linked intellectual disability 34. Identifiers: Orphanet 466791, MedGen C4225417, MONDO:0010501, OMIM 300967.

Submissions (7):

Labcorp Genetics (formerly Invitae), Labcorp
Classification: Uncertain significance. Last evaluated: 2025-04-13. Review status: criteria provided, single submitter. Criteria: Invitae Variant Classification Sherloc (09022015). Collection method: clinical testing. Allele origin: germline.
Comment: This variant, c.81_95del, results in the deletion of 5 amino acid(s) of the NONO protein (p.His28_Gln32del), but otherwise preserves the integrity of the reading frame. This variant is present in population databases (rs756534222, gnomAD 0.003%). This variant has not been reported in the literature in individuals affected with NONO-related conditions. ClinVar contains an entry for this variant (Variation ID: 1319296). Experimental studies and prediction algorithms are not available or were not evaluated, and the functional significance of this variant is currently unknown. In summary, the available evidence is currently insufficient to determine the role of this variant in disease. Therefore, it has been classified as a Variant of Uncertain Significance.

Genomic Medicine Center of Excellence, King Faisal Specialist Hospital and Research Centre
Classification: Uncertain significance for Intellectual developmental disorder, X-linked, syndromic 34. Last evaluated: 2024-04-04. Review status: criteria provided, single submitter. Criteria: ACMG Guidelines, 2015. Collection method: clinical testing. Allele origin: germline.

CeGaT Center for Human Genetics Tuebingen
Classification: Uncertain significance. Last evaluated: 2023-05-01. Review status: criteria provided, single submitter. Criteria: CeGaT Center For Human Genetics Tuebingen Variant Classification Criteria Version 2. Collection method: clinical testing. Allele origin: germline. Affected: yes. Observed: 1 variant allele.
Comment: NONO: PM2, BP3

Blueprint Genetics
Classification: Likely benign. Last evaluated: 2022-10-04. Review status: criteria provided, single submitter. Criteria: ACMG Guidelines, 2015. Collection method: clinical testing. Allele origin: germline.

Institute for Clinical Genetics, University Hospital TU Dresden, University Hospital TU Dresden
Classification: Uncertain significance. Last evaluated: 2021-11-03. Review status: criteria provided, single submitter. Criteria: ACMG Guidelines, 2015. Collection method: clinical testing. Allele origin: germline.

Cambridge Genomics Laboratory, East Genomic Laboratory Hub, NHS Genomic Medicine Service
Classification: Likely benign for Intellectual disability. Last evaluated: 2020-01-13. Review status: criteria provided, single submitter. Criteria: ACGS Best Practice Guidelines for Variant Classification in Rare Disease 2020. Collection method: clinical testing. Allele origin: germline. Affected: yes. Observed: 1 variant allele.

Juno Genomics, Hangzhou Juno Genomics, Inc
Classification: Uncertain significance for Intellectual developmental disorder, X-linked, syndromic 34. Review status: criteria provided, single submitter. Criteria: ACMG Guidelines, 2015. Collection method: clinical testing. Allele origin: germline.
Comment: Protein length changes due to in-frame deletions/insertions in a non-repeat region or stop-loss variants.;Absent from controls (or at extremely low frequency if recessive) in Genome Aggregation Database.

NM_007363.5(NONO):c.81_95del (p.23HHQQQ[1])

Gene: NONO (non-POU domain containing octamer binding; plus strand). Cytogenetic location: Xq13.1.
Variant type: Deletion.
Coding change: c.81_95del on transcript NM_007363.5 (MANE Select); coding-DNA positions 81 to 95, 15 bases deleted (GCACCACCAGCAGCA).
Protein change: p.23HHQQQ[1].
Molecular consequence: inframe deletion. On other transcripts: intron variant (1).
Genome position (GRCh38, 1-based): chrX:71,290,718-71,290,732, GCACCACCAGCAGCA deleted; deleting any 15 consecutive bases within chrX:71,290,704-71,290,732 gives the same sequence; the c. name uses the placement nearest the transcript's 3' end. VCF-style (leftmost placement, unchanged base first): chrX-71290703-TCACCACCAGCAGCAG-T. GRCh37 (hg19) VCF-style: chrX-70510553-TCACCACCAGCAGCAG-T.
Other names: c.81_95del, p.23HHQQQ[1] (NM_001145408.2, NM_001145409.2); c.-113-1061_-113-1047del (NM_001145410.2).
Identifiers: ClinVar variation 1319296 (VCV001319296.31), dbSNP rs756534222, ClinGen allele CA10446036.